The following is an entry in ClinVar:

ClinVar aggregate classification (germline): Conflicting classifications of pathogenicity. Review status: criteria provided, conflicting classifications (1 of 4 stars). 6 submissions from 6 submitters: Uncertain significance (1); Benign (2); Likely benign (1). 2 of the submissions do not count toward it. Last evaluated 2026-01-17.

Conditions:
LOXHD1-related disorder. Also called: LOXHD1-related condition.
Autosomal recessive nonsyndromic hearing loss 77. Identifiers: Orphanet 90636, MedGen C2746083, MONDO:0013119, OMIM 613079.

Allele frequency attached by ClinVar (database versions not stated): gnomAD exomes 0.00010 and 0.00025; ESP Exome Variant Server 0.00044; ExAC 0.00053; gnomAD 0.00094 and 0.00098; TOPMed 0.00134; 1000 Genomes Project 0.00140; 1000 Genomes Project 30x 0.00172.
gnomAD v4.1: 294 of 1,551,796 alleles (0.019%); highest among the groups gnomAD compares: African/African-American, 0.35%; 1 homozygote.

Submissions (6):

Labcorp Genetics (formerly Invitae), Labcorp
Classification: Benign. Last evaluated: 2026-01-17. Review status: criteria provided, single submitter. Criteria: Invitae Variant Classification Sherloc (09022015). Collection method: clinical testing. Allele origin: germline.

Blueprint Genetics
Classification: Likely benign. Last evaluated: 2024-11-13. Review status: criteria provided, single submitter. Criteria: ACMG Guidelines, 2015. Collection method: clinical testing. Allele origin: germline.

Illumina Laboratory Services, Illumina
Classification: Uncertain significance for Autosomal recessive nonsyndromic hearing loss 77. Last evaluated: 2018-01-13. Review status: criteria provided, single submitter. Criteria: ICSL Variant Classification Criteria 13 December 2019. Collection method: clinical testing. Allele origin: germline.

Laboratory for Molecular Medicine, Mass General Brigham Personalized Medicine
Classification: Benign. Last evaluated: 2015-05-17. Review status: criteria provided, single submitter. Criteria: LMM Criteria. Collection method: clinical testing. Allele origin: germline. Observed: 3 variant alleles.
Comment: p.Val1480Val in exon 29 of LOXHD1: This variant is not expected to have clinical significance because it does not alter an amino acid residue, is not located wi thin the splice consensus sequence, and has been identified in 0.4% (11/2818) of African chromosomes by the Exome Aggregation Consortium (ExAC; dbSNP; rs76946640).

PreventionGenetics, part of Exact Sciences
Classification: Likely benign for LOXHD1-related condition. Last evaluated: 2024-07-20. Review status: no assertion criteria provided. Collection method: clinical testing. Allele origin: germline. Not counted in ClinVar's aggregate classification.
Comment: This variant is classified as likely benign based on ACMG/AMP sequence variant interpretation guidelines (Richards et al. 2015 PMID: 25741868, with internal and published modifications).

Natera, Inc.
Classification: Likely benign for Autosomal recessive deafness type 77. Last evaluated: 2019-12-12. Review status: no assertion criteria provided. Collection method: clinical testing. Allele origin: germline. Not counted in ClinVar's aggregate classification.

NM_001384474.1(LOXHD1):c.4440G>A (p.Val1480=)

Gene: LOXHD1 (lipoxygenase homology PLAT domains 1; minus strand). Cytogenetic location: 18q21.1.
Variant type: single nucleotide variant.
Coding change: c.4440G>A on transcript NM_001384474.1 (MANE Select); coding-DNA position 4440, G replaced by A.
Protein change: p.Val1480=; no amino-acid change (valine 1480 retained).
Molecular consequence: synonymous variant.
Genome position (GRCh38, 1-based): chr18:46,529,267, C>T on the plus strand (G>A on the coding strand, the complement: LOXHD1 is on the minus strand). VCF-style: chr18-46529267-C-T. GRCh37 (hg19) VCF-style: chr18-44109230-C-T.
Other names: c.1107G>A, p.Val369= (NM_001145472.3); c.819G>A, p.Val273= (NM_001308013.2); c.4440G>A, p.Val1480= (NM_144612.7).
Identifiers: ClinVar variation 226717 (VCV000226717.23), dbSNP rs76946640, ClinGen allele CA8952347.